The following is an entry in ClinVar:

ClinVar aggregate classification (germline): Likely pathogenic (1 of 4 stars; one submission).

Conditions:
Dilated cardiomyopathy 1G (CMD1G). Identifiers: Orphanet 154, MedGen C1858763, MONDO:0011400, OMIM 604145.
Autosomal recessive limb-girdle muscular dystrophy type 2J (LGMDR10). Also called: MUSCULAR DYSTROPHY, LIMB-GIRDLE, AUTOSOMAL RECESSIVE 10; Limb-girdle muscular dystrophy, type 2J. Identifiers: Orphanet 140922, MedGen C1837342, MONDO:0012127, OMIM 608807.

Allele frequency attached by ClinVar (database versions not stated): gnomAD exomes below 0.00001.
gnomAD v4.1: 1 of 1,613,358 alleles (0.000062%); highest among the groups gnomAD compares: Non-Finnish European, 0.000085%; no homozygotes.

Submission:

Labcorp Genetics (formerly Invitae), Labcorp
Classification: Likely pathogenic for Dilated cardiomyopathy 1G; Autosomal recessive limb-girdle muscular dystrophy type 2J. Last evaluated: 2025-09-30. Review status: criteria provided, single submitter. Criteria: Invitae Variant Classification Sherloc (09022015). Collection method: clinical testing. Allele origin: germline.
Comment: This sequence change creates a premature translational stop signal (p.Trp19420*) in the TTN gene. While this is not anticipated to result in nonsense mediated decay, it is expected to create a truncated TTN protein. This variant is not present in population databases (gnomAD no frequency). This premature translational stop signal has been observed in individual(s) with dilated cardiomyopathy (internal data). ClinVar contains an entry for this variant (Variation ID: 222859). This variant is located in the A band of TTN (PMID: 25589632). Truncating variants in this region are significantly overrepresented in patients affected with dilated cardiomyopathy (PMID: 25589632). Truncating variants in this region have also been reported in individuals affected with autosomal recessive centronuclear myopathy (PMID: 23975875). In summary, the currently available evidence indicates that the variant is pathogenic, but additional data are needed to prove that conclusively. Therefore, this variant has been classified as Likely Pathogenic.

Literature cited by the submitters: PubMed 25589632; PubMed 23975875.

NM_001267550.2(TTN):c.58259G>A (p.Trp19420Ter)

Genes: TTN (titin; minus strand), TTN-AS1 (TTN antisense RNA 1; plus strand). Cytogenetic location: 2q31.2.
Variant type: single nucleotide variant.
Coding change: c.58259G>A on transcript NM_001267550.2 (MANE Select); coding-DNA position 58259, G replaced by A.
Protein change: p.Trp19420Ter; replaces tryptophan 19420 with a stop codon.
Molecular consequence: nonsense.
Genome position (GRCh38, 1-based): chr2:178,594,134, C>T on the plus strand (G>A on the coding strand, the complement: TTN is on the minus strand). VCF-style: chr2-178594134-C-T. GRCh37 (hg19) VCF-style: chr2-179458861-C-T.
Other names: c.58259G>A (LRG_391t1); c.53336G>A, p.Trp17779Ter (NM_001256850.1); c.31064G>A, p.Trp10355Ter (NM_003319.4); c.50555G>A, p.Trp16852Ter (NM_133378.4); c.31439G>A, p.Trp10480Ter (NM_133432.3); c.31640G>A, p.Trp10547Ter (NM_133437.4); short protein forms W19420*, W17779*, W16852*, W10480*, W10547*, W10355*.
Identifiers: ClinVar variation 222859 (VCV000222859.13), dbSNP rs869025544, ClinGen allele CA351816.